The following is an entry in ClinVar:

ClinVar aggregate classification (germline): Uncertain significance. Review status: criteria provided, multiple submitters, no conflicts (2 of 4 stars). 2 submissions from 2 submitters: Uncertain significance (2). Last evaluated 2025-02-19.

Conditions:
Inborn genetic diseases. Identifiers: MedGen C0950123, MeSH D030342.
Combined oxidative phosphorylation defect type 17. Also called: Combined oxidative phosphorylation deficiency 17. Identifiers: Orphanet 369913, MedGen C3809526, MONDO:0014190, OMIM 615440.

Allele frequency attached by ClinVar (database versions not stated): gnomAD exomes 0.00001; ExAC 0.00002.
gnomAD v4.1: 6 of 1,600,886 alleles (0.00037%); highest among the groups gnomAD compares: African/African-American, 0.0013%; no homozygotes.

Submissions (2):

Ambry Genetics
Classification: Uncertain significance for Inborn genetic diseases. Last evaluated: 2025-02-19. Review status: criteria provided, single submitter. Criteria: Ambry Variant Classification Scheme 2023. Collection method: clinical testing. Allele origin: germline.

Labcorp Genetics (formerly Invitae), Labcorp
Classification: Uncertain significance for Combined oxidative phosphorylation defect type 17. Last evaluated: 2021-08-07. Review status: criteria provided, single submitter. Criteria: Invitae Variant Classification Sherloc (09022015). Collection method: clinical testing. Allele origin: germline.
Comment: This sequence change replaces lysine with arginine at codon 45 of the ELAC2 protein (p.Lys45Arg). The lysine residue is weakly conserved and there is a small physicochemical difference between lysine and arginine. This variant is present in population databases (rs745328310, ExAC 0.003%). This variant has not been reported in the literature in individuals affected with ELAC2-related conditions. Algorithms developed to predict the effect of missense changes on protein structure and function are either unavailable or do not agree on the potential impact of this missense change (SIFT: "Tolerated"; PolyPhen-2: "Possibly Damaging"; Align-GVGD: "Class C0"). In summary, the available evidence is currently insufficient to determine the role of this variant in disease. Therefore, it has been classified as a Variant of Uncertain Significance.

NM_018127.7(ELAC2):c.134A>G (p.Lys45Arg)

Gene: ELAC2 (elaC ribonuclease Z 2; minus strand). Cytogenetic location: 17p12.
Variant type: single nucleotide variant.
Coding change: c.134A>G on transcript NM_018127.7 (MANE Select); coding-DNA position 134, A replaced by G.
Protein change: p.Lys45Arg; replaces lysine 45 with arginine.
Molecular consequence: missense variant.
Genome position (GRCh38, 1-based): chr17:13,017,814, T>C on the plus strand (A>G on the coding strand, the complement: ELAC2 is on the minus strand). VCF-style: chr17-13017814-T-C. GRCh37 (hg19) VCF-style: chr17-12921131-T-C.
Other names: c.134A>G, p.Lys45Arg (NM_173717.2, NM_001165962.2); c.134A>G (NM_018127.6); short protein forms K45R.
Identifiers: ClinVar variation 1522528 (VCV001522528.7), dbSNP rs745328310, ClinGen allele CA8401832.